The following is an entry in ClinVar:

ClinVar aggregate classification (germline): Conflicting classifications of pathogenicity. Review status: criteria provided, conflicting classifications (1 of 4 stars). 5 submissions from 5 submitters: Uncertain significance (1); Benign (1); Likely benign (1). 2 of the submissions do not count toward it. Last evaluated 2026-01-11.

Conditions:
Achromatopsia 2 (ACHM2). Also called: COLORBLINDNESS, TOTAL; ROD MONOCHROMACY 2; ROD MONOCHROMATISM 2. Identifiers: Orphanet 49382, MedGen C1857618, MONDO:0009003, OMIM 216900.
CNGA3-related disorder. Also called: CNGA3-related condition.
Inborn genetic diseases. Identifiers: MedGen C0950123, MeSH D030342.

Allele frequency attached by ClinVar (database versions not stated): gnomAD exomes 0.00024 and 0.00064; ExAC 0.00069; ESP Exome Variant Server 0.00254; gnomAD 0.00283 and 0.00305; 1000 Genomes Project 0.00300; TOPMed 0.00303; 1000 Genomes Project 30x 0.00375.
gnomAD v4.1: 808 of 1,614,206 alleles (0.05%); highest among the groups gnomAD compares: African/African-American, 0.92%; 6 homozygotes.

Submissions (5):

Labcorp Genetics (formerly Invitae), Labcorp
Classification: Benign. Last evaluated: 2026-01-11. Review status: criteria provided, single submitter. Criteria: Invitae Variant Classification Sherloc (09022015). Collection method: clinical testing. Allele origin: germline.

Blueprint Genetics
Classification: Likely benign. Last evaluated: 2024-10-08. Review status: criteria provided, single submitter. Criteria: ACMG Guidelines, 2015. Collection method: clinical testing. Allele origin: germline.

Ambry Genetics
Classification: Uncertain significance for Inborn genetic diseases. Last evaluated: 2021-08-30. Review status: criteria provided, single submitter. Criteria: Ambry Variant Classification Scheme 2023. Collection method: clinical testing. Allele origin: germline.

Molecular Genetics Laboratory, Institute for Ophthalmic Research
Classification: Benign for Achromatopsia 2. Last evaluated: 2021-04-15. Review status: no assertion criteria provided. Collection method: research. Allele origin: germline. Affected: yes. Not counted in ClinVar's aggregate classification.

PreventionGenetics, part of Exact Sciences
Classification: Benign for CNGA3-related condition. Last evaluated: 2019-05-30. Review status: no assertion criteria provided. Collection method: clinical testing. Allele origin: germline. Not counted in ClinVar's aggregate classification.
Comment: This variant is classified as benign based on ACMG/AMP sequence variant interpretation guidelines (Richards et al. 2015 PMID: 25741868, with internal and published modifications).

NM_001298.3(CNGA3):c.353A>G (p.Gln118Arg)

Gene: CNGA3 (cyclic nucleotide gated channel subunit alpha 3; plus strand). Cytogenetic location: 2q11.2.
Variant type: single nucleotide variant.
Coding change: c.353A>G on transcript NM_001298.3 (MANE Select); coding-DNA position 353, A replaced by G.
Protein change: p.Gln118Arg; replaces glutamine 118 with arginine.
Molecular consequence: missense variant.
Genome position (GRCh38, 1-based): chr2:98,380,312, A>G. VCF-style: chr2-98380312-A-G. GRCh37 (hg19) VCF-style: chr2-98996775-A-G.
Other names: c.353A>G, p.Gln118Arg (NM_001079878.2); short protein forms Q118R.
Identifiers: ClinVar variation 712356 (VCV000712356.17), dbSNP rs142837782, ClinGen allele CA1793704.